The following is an entry in ClinVar:

ClinVar aggregate classification (germline): Uncertain significance (1 of 4 stars; one submission).

Submission:

Labcorp Genetics (formerly Invitae), Labcorp
Classification: Uncertain significance. Last evaluated: 2024-04-16. Review status: criteria provided, single submitter. Criteria: Invitae Variant Classification Sherloc (09022015). Collection method: clinical testing. Allele origin: germline.
Comment: This sequence change replaces alanine, which is neutral and non-polar, with proline, which is neutral and non-polar, at codon 488 of the NACC1 protein (p.Ala488Pro). This variant is not present in population databases (gnomAD no frequency). This variant has not been reported in the literature in individuals affected with NACC1-related conditions. Advanced modeling of protein sequence and biophysical properties (such as structural, functional, and spatial information, amino acid conservation, physicochemical variation, residue mobility, and thermodynamic stability) performed at Invitae indicates that this missense variant is not expected to disrupt NACC1 protein function with a negative predictive value of 80%. In summary, the available evidence is currently insufficient to determine the role of this variant in disease. Therefore, it has been classified as a Variant of Uncertain Significance.

NM_052876.4(NACC1):c.1462G>C (p.Ala488Pro)

Gene: NACC1 (nucleus accumbens associated 1; plus strand). Cytogenetic location: 19p13.13.
Variant type: single nucleotide variant.
Coding change: c.1462G>C on transcript NM_052876.4 (MANE Select); coding-DNA position 1462, G replaced by C.
Protein change: p.Ala488Pro; replaces alanine 488 with proline.
Molecular consequence: missense variant.
Genome position (GRCh38, 1-based): chr19:13,138,284, G>C. VCF-style: chr19-13138284-G-C. GRCh37 (hg19) VCF-style: chr19-13249098-G-C.
Other names: short protein forms A488P.
Identifiers: ClinVar variation 3650047 (VCV003650047.2).